The following is an entry in ClinVar:

ClinVar aggregate classification (germline): Uncertain significance (1 of 4 stars; one submission).

Conditions:
Congenital myasthenic syndrome 2A. Also called: Myasthenic syndrome, congenital, 2a, slow-channel. Identifiers: Orphanet 590, MedGen C4225374, MONDO:0014581, OMIM 616313.

gnomAD v4.1: 72 of 1,614,010 alleles (0.0045%); highest among the groups gnomAD compares: Non-Finnish European, 0.0058%; no homozygotes.

Submission:

Labcorp Genetics (formerly Invitae), Labcorp
Classification: Uncertain significance for Congenital myasthenic syndrome 2A. Last evaluated: 2025-08-18. Review status: criteria provided, single submitter. Criteria: Invitae Variant Classification Sherloc (09022015). Collection method: clinical testing. Allele origin: germline.
Comment: This sequence change replaces arginine, which is basic and polar, with histidine, which is basic and polar, at codon 232 of the CHRNB1 protein (p.Arg232His). This variant is present in population databases (rs202080837, gnomAD 0.01%). This variant has not been reported in the literature in individuals affected with CHRNB1-related conditions. ClinVar contains an entry for this variant (Variation ID: 2779475). Invitae Evidence Modeling of protein sequence and biophysical properties (such as structural, functional, and spatial information, amino acid conservation, physicochemical variation, residue mobility, and thermodynamic stability) indicates that this missense variant is not expected to disrupt CHRNB1 protein function with a negative predictive value of 80%. In summary, the available evidence is currently insufficient to determine the role of this variant in disease. Therefore, it has been classified as a Variant of Uncertain Significance.

NM_000747.3(CHRNB1):c.695G>A (p.Arg232His)

Gene: CHRNB1 (cholinergic receptor nicotinic beta 1 subunit; plus strand). Cytogenetic location: 17p13.1.
Variant type: single nucleotide variant.
Coding change: c.695G>A on transcript NM_000747.3 (MANE Select); coding-DNA position 695, G replaced by A.
Protein change: p.Arg232His; replaces arginine 232 with histidine.
Molecular consequence: missense variant.
Genome position (GRCh38, 1-based): chr17:7,448,663, G>A. VCF-style: chr17-7448663-G-A. GRCh37 (hg19) VCF-style: chr17-7351982-G-A.
Other names: short protein forms R232H.
Identifiers: ClinVar variation 2779475 (VCV002779475.3), dbSNP rs202080837, ClinGen allele CA8347862.